The following is an entry in ClinVar:

ClinVar aggregate classification (germline): Uncertain significance (1 of 4 stars; one submission).

Conditions:
Inborn genetic diseases. Identifiers: MedGen C0950123, MeSH D030342.

Allele frequency attached by ClinVar (database versions not stated): gnomAD exomes below 0.00001.
gnomAD v4.1: 1 of 1,614,032 alleles (0.000062%); highest among the groups gnomAD compares: Non-Finnish European, 0.000085%; no homozygotes.

Submission:

Ambry Genetics
Classification: Uncertain significance for Inborn genetic diseases. Last evaluated: 2024-07-23. Review status: criteria provided, single submitter. Criteria: Ambry Variant Classification Scheme 2023. Collection method: clinical testing. Allele origin: germline.
Comment: The p.H434R variant (also known as c.1301A>G), located in coding exon 13 of the ERCC2 gene, results from an A to G substitution at nucleotide position 1301. The histidine at codon 434 is replaced by arginine, an amino acid with highly similar properties. This amino acid position is conserved. In addition, the in silico prediction for this alteration is inconclusive. Since supporting evidence is limited at this time, the clinical significance of this alteration remains unclear.

NM_000400.4(ERCC2):c.1301A>G (p.His434Arg)

Gene: ERCC2 (ERCC excision repair 2, TFIIH core complex helicase subunit; minus strand). Cytogenetic location: 19q13.32.
Variant type: single nucleotide variant.
Coding change: c.1301A>G on transcript NM_000400.4 (MANE Select); coding-DNA position 1301, A replaced by G.
Protein change: p.His434Arg; replaces histidine 434 with arginine.
Molecular consequence: missense variant.
Genome position (GRCh38, 1-based): chr19:45,357,636, T>C on the plus strand (A>G on the coding strand, the complement: ERCC2 is on the minus strand). VCF-style: chr19-45357636-T-C. GRCh37 (hg19) VCF-style: chr19-45860894-T-C.
Other names: short protein forms H434R.
Identifiers: ClinVar variation 3231631 (VCV003231631.2), dbSNP rs2514013876, ClinGen allele CA406367921.